The following is an entry in ClinVar:

ClinVar aggregate classification (germline): Uncertain significance (1 of 4 stars; one submission).

Conditions:
Familial thoracic aortic aneurysm and aortic dissection (TAAD). Also called: Thoracic aortic aneurysms and dissections. Identifiers: Orphanet 91387, MedGen C4707243, MONDO:0019625.
Hereditary cancer-predisposing syndrome. Also called: Hereditary Cancer Syndrome; Hereditary neoplastic syndrome; Neoplastic Syndromes, Hereditary; Tumor predisposition. Identifiers: Orphanet 140162, MedGen C0027672, MeSH D009386, MONDO:0015356.

Submission:

Ambry Genetics
Classification: Uncertain significance for Hereditary cancer-predisposing syndrome; Familial thoracic aortic aneurysm and aortic dissection. Last evaluated: 2020-03-18. Review status: criteria provided, single submitter. Criteria: Ambry Variant Classification Scheme 2023. Collection method: clinical testing. Allele origin: germline.
Comment: The p.A460V variant (also known as c.1379C>T), located in coding exon 10 of the SMAD4 gene, results from a C to T substitution at nucleotide position 1379. The alanine at codon 460 is replaced by valine, an amino acid with similar properties. This amino acid position is highly conserved in available vertebrate species. In addition, this alteration is predicted to be deleterious by in silico analysis. Since supporting evidence is limited at this time, the clinical significance of this alteration remains unclear.

NM_005359.6(SMAD4):c.1379C>T (p.Ala460Val)

Gene: SMAD4 (SMAD family member 4; plus strand). Cytogenetic location: 18q21.2.
Variant type: single nucleotide variant.
Coding change: c.1379C>T on transcript NM_005359.6 (MANE Select); coding-DNA position 1379, C replaced by T.
Protein change: p.Ala460Val; replaces alanine 460 with valine.
Molecular consequence: missense variant.
Genome position (GRCh38, 1-based): chr18:51,076,708, C>T. VCF-style: chr18-51076708-C-T. GRCh37 (hg19) VCF-style: chr18-48603078-C-T.
Other names: c.1379C>T, p.Ala460Val (NM_001407041.1, NM_001407042.1); short protein forms A460V.
Identifiers: ClinVar variation 1771235 (VCV001771235.2), dbSNP rs2144474128, ClinGen allele CA402465257.